The following is an entry in ClinVar:

ClinVar aggregate classification (germline): Benign. Review status: criteria provided, multiple submitters, no conflicts (2 of 4 stars). 2 submissions from 2 submitters: Benign (2). Last evaluated 2018-01-13.

Conditions:
Spinocerebellar ataxia, autosomal recessive, with axonal neuropathy 1 (SCAN1). Identifiers: Orphanet 94124, MedGen C4759870, MONDO:0011801, OMIM 607250.

Allele frequency attached by ClinVar (database versions not stated): gnomAD exomes 0.04286; gnomAD 0.06559 and 0.07368; TOPMed 0.07877; 1000 Genomes Project 30x 0.13054; 1000 Genomes Project 0.13498.
gnomAD v4.1: 11,198 of 152,300 alleles (7.4%); highest among the groups gnomAD compares: South Asian, 22%; 724 homozygotes.

Submissions (2):

Illumina Laboratory Services, Illumina
Classification: Benign for Spinocerebellar ataxia, autosomal recessive, with axonal neuropathy 1. Last evaluated: 2018-01-13. Review status: criteria provided, single submitter. Criteria: ICSL Variant Classification Criteria 13 December 2019. Collection method: clinical testing. Allele origin: germline.
Comment: This variant was observed in the ICSL laboratory as part of a predisposition screen in an ostensibly healthy population. It had not been previously curated by ICSL or reported in the Human Gene Mutation Database (HGMD: prior to June 1st, 2018), and was therefore a candidate for classification through an automated scoring system. Utilizing variant allele frequency, disease prevalence and penetrance estimates, and inheritance mode, an automated score was calculated to assess if this variant is too frequent to cause the disease. Based on the score and internal cut-off values, a variant classified as benign is not then subjected to further curation. The score for this variant resulted in a classification of benign for this disease.

Breakthrough Genomics
Classification: Benign. Review status: criteria provided, single submitter. Criteria: ACMG Guidelines, 2015. Collection method: not provided. Allele origin: germline. Inheritance: Autosomal recessive inheritance. Affected: yes.

NM_018319.4(TDP1):c.-21C>T

Gene: TDP1 (tyrosyl-DNA phosphodiesterase 1; plus strand). Cytogenetic location: 14q32.11.
Variant type: single nucleotide variant.
Coding change: c.-21C>T on transcript NM_018319.4 (MANE Select); 21 bases upstream of the start codon, C replaced by T.
Molecular consequence: 5 prime UTR variant. On other transcripts: intron variant (2).
Genome position (GRCh38, 1-based): chr14:89,956,787, C>T. VCF-style: chr14-89956787-C-T. GRCh37 (hg19) VCF-style: chr14-90423131-C-T.
Other names: c.-8+509C>T (NM_001330205.2); c.-8+817C>T (NM_001008744.2).
Identifiers: ClinVar variation 314821 (VCV000314821.6), dbSNP rs34348197, ClinGen allele CA10635507.